The following is an entry in ClinVar:

ClinVar aggregate classification (germline): Likely pathogenic (1 of 4 stars; one submission).

gnomAD v4.1: 1 of 1,613,942 alleles (0.000062%); no homozygotes.

Submission:

GeneDx
Classification: Likely pathogenic. Last evaluated: 2026-04-23. Review status: criteria provided, single submitter. Criteria: GeneDx Variant Classification Process June 2021. Collection method: clinical testing. Allele origin: germline.
Comment: Nonsense variant predicted to result in protein truncation or nonsense mediated decay in a gene for which loss of function is a known mechanism of disease; Not observed at significant frequency in large population cohorts (gnomAD); This variant is associated with the following publications: (PMID: 39749519)

NM_000089.4(COL1A2):c.3877C>T (p.Gln1293Ter)

Gene: COL1A2 (collagen type I alpha 2 chain; plus strand). Cytogenetic location: 7q21.3.
Variant type: single nucleotide variant.
Coding change: c.3877C>T on transcript NM_000089.4 (MANE Select); coding-DNA position 3877, C replaced by T.
Protein change: p.Gln1293Ter; replaces glutamine 1293 with a stop codon.
Molecular consequence: nonsense.
Genome position (GRCh38, 1-based): chr7:94,429,353, C>T. VCF-style: chr7-94429353-C-T. GRCh37 (hg19) VCF-style: chr7-94058665-C-T.
Other names: short protein forms Q1293*.
Identifiers: ClinVar variation 5036885 (VCV005036885.1).